The following is an entry in ClinVar:

ClinVar aggregate classification (germline): Uncertain significance (1 of 4 stars; one submission).

Allele frequency attached by ClinVar (database versions not stated): gnomAD exomes below 0.00001; TOPMed below 0.00001; gnomAD 0.00001.
gnomAD v4.1: 6 of 1,613,894 alleles (0.00037%); highest among the groups gnomAD compares: Admixed American, 0.0017%; no homozygotes.

Submission:

Labcorp Genetics (formerly Invitae), Labcorp
Classification: Uncertain significance. Last evaluated: 2022-09-06. Review status: criteria provided, single submitter. Criteria: Invitae Variant Classification Sherloc (09022015). Collection method: clinical testing. Allele origin: germline.
Comment: In summary, the available evidence is currently insufficient to determine the role of this variant in disease. Therefore, it has been classified as a Variant of Uncertain Significance. Algorithms developed to predict the effect of missense changes on protein structure and function are either unavailable or do not agree on the potential impact of this missense change (SIFT: "Deleterious"; PolyPhen-2: "Probably Damaging"; Align-GVGD: "Class C0"). This variant has not been reported in the literature in individuals affected with DOCK6-related conditions. This variant is present in population databases (no rsID available, gnomAD 0.003%). This sequence change replaces glycine, which is neutral and non-polar, with arginine, which is basic and polar, at codon 1864 of the DOCK6 protein (p.Gly1864Arg).

NM_020812.4(DOCK6):c.5590G>A (p.Gly1864Arg)

Gene: DOCK6 (dedicator of cytokinesis 6; minus strand). Cytogenetic location: 19p13.2.
Variant type: single nucleotide variant.
Coding change: c.5590G>A on transcript NM_020812.4 (MANE Select); coding-DNA position 5590, G replaced by A.
Protein change: p.Gly1864Arg; replaces glycine 1864 with arginine.
Molecular consequence: missense variant.
Genome position (GRCh38, 1-based): chr19:11,201,987, C>T on the plus strand (G>A on the coding strand, the complement: DOCK6 is on the minus strand). VCF-style: chr19-11201987-C-T. GRCh37 (hg19) VCF-style: chr19-11312663-C-T.
Other names: c.5695G>A, p.Gly1899Arg (NM_001367830.1); short protein forms G1864R, G1899R.
Identifiers: ClinVar variation 1961610 (VCV001961610.5), dbSNP rs1307603366, ClinGen allele CA404073914.